The following is an entry in ClinVar:

NM_003086.4(SNAPC4):c.1073C>T (p.Thr358Met)

Gene: SNAPC4 (small nuclear RNA activating complex polypeptide 4; minus strand). Cytogenetic location: 9q34.3.
Variant type: single nucleotide variant.
Coding change: c.1073C>T on transcript NM_003086.4 (MANE Select); coding-DNA position 1073, C replaced by T.
Protein change: p.Thr358Met; replaces threonine 358 with methionine.
Molecular consequence: missense variant.
Genome position (GRCh38, 1-based): chr9:136,388,494, G>A on the plus strand (C>T on the coding strand, the complement: SNAPC4 is on the minus strand). VCF-style: chr9-136388494-G-A. GRCh37 (hg19) VCF-style: chr9-139282946-G-A.
Other names: c.1073C>T, p.Thr358Met (NM_001394201.1, NM_001394202.1, NM_001394203.1); short protein forms T358M.
Identifiers: ClinVar variation 3771426 (VCV003771426.13).

ClinVar aggregate classification (germline): Uncertain significance (1 of 4 stars; one submission).

gnomAD v4.1: 6 of 1,614,008 alleles (0.00037%); highest among the groups gnomAD compares: East Asian, 0.0022%; no homozygotes.

Submission:

CeGaT Center for Human Genetics Tuebingen
Classification: Uncertain significance. Last evaluated: 2025-02-01. Review status: criteria provided, single submitter. Criteria: CeGaT Center For Human Genetics Tuebingen Variant Classification Criteria Version 2. Collection method: clinical testing. Allele origin: germline. Affected: yes. Observed: 1 variant allele.
Comment: SNAPC4: PM2:Supporting, BP4